The following is an entry in ClinVar:

NM_006206.6(PDGFRA):c.493G>A (p.Glu165Lys)

Gene: PDGFRA (platelet derived growth factor receptor alpha; plus strand). Cytogenetic location: 4q12.
Variant type: single nucleotide variant.
Coding change: c.493G>A on transcript NM_006206.6 (MANE Select); coding-DNA position 493, G replaced by A.
Protein change: p.Glu165Lys; replaces glutamic acid 165 with lysine.
Molecular consequence: missense variant.
Genome position (GRCh38, 1-based): chr4:54,263,792, G>A. VCF-style: chr4-54263792-G-A. GRCh37 (hg19) VCF-style: chr4-55129959-G-A.
Other names: c.493G>A, p.Glu165Lys (NM_001347827.2, NM_001347829.2); c.568G>A, p.Glu190Lys (NM_001347828.2); c.532G>A, p.Glu178Lys (NM_001347830.2); short protein forms E178K, E165K, E190K.
Identifiers: ClinVar variation 2870610 (VCV002870610.3), dbSNP rs2110252144, ClinGen allele CA356889942.

ClinVar aggregate classification (germline): Uncertain significance (1 of 4 stars; one submission).

Conditions:
Gastrointestinal stromal tumor. Also called: Gastrointestinal stromal tumor, somatic; Gastrointestinal stroma tumor. Identifiers: Orphanet 44890, MedGen C0238198, MeSH D046152, MONDO:0011719, OMIM 606764, HP:0100723.

Submission:

Labcorp Genetics (formerly Invitae), Labcorp
Classification: Uncertain significance for Gastrointestinal stromal tumor. Last evaluated: 2026-01-02. Review status: criteria provided, single submitter. Criteria: Invitae Variant Classification Sherloc (09022015). Collection method: clinical testing. Allele origin: germline.
Comment: This sequence change replaces glutamic acid, which is acidic and polar, with lysine, which is basic and polar, at codon 165 of the PDGFRA protein (p.Glu165Lys). This variant is not present in population databases (gnomAD no frequency). This variant has not been reported in the literature in individuals affected with PDGFRA-related conditions. ClinVar contains an entry for this variant (Variation ID: 2870610). An algorithm developed to predict the effect of missense changes on protein structure and function (PolyPhen-2) suggests that this variant is likely to be tolerated. In summary, the available evidence is currently insufficient to determine the role of this variant in disease. Therefore, it has been classified as a Variant of Uncertain Significance.